The following is an entry in ClinVar:

ClinVar aggregate classification (germline): Pathogenic (1 of 4 stars; one submission).

Conditions:
Inborn genetic diseases. Identifiers: MedGen C0950123, MeSH D030342.

gnomAD v4.1: 1 of 1,601,672 alleles (0.000062%); highest among the groups gnomAD compares: Non-Finnish European, 0.000085%; no homozygotes.

Submission:

Ambry Genetics
Classification: Pathogenic for Inborn genetic diseases. Last evaluated: 2025-10-22. Review status: criteria provided, single submitter. Criteria: Ambry Variant Classification Scheme 2023. Collection method: clinical testing. Allele origin: germline.
Comment: The c.2407C>T (p.R803*) alteration, located in exon 17 (coding exon 15) of the KDM4B gene, consists of a C to T substitution at nucleotide position 2407. This changes the amino acid from a arginine (R) to a stop codon at amino acid position 803. This alteration is expected to result in loss of function by premature protein truncation or nonsense-mediated mRNA decay. This variant was not reported in population-based cohorts in the Genome Aggregation Database (gnomAD). Based on the available evidence, this alteration is classified as pathogenic.

NM_015015.3(KDM4B):c.2407C>T (p.Arg803Ter)

Gene: KDM4B (lysine demethylase 4B; plus strand). Cytogenetic location: 19p13.3.
Variant type: single nucleotide variant.
Coding change: c.2407C>T on transcript NM_015015.3 (MANE Select); coding-DNA position 2407, C replaced by T.
Protein change: p.Arg803Ter; replaces arginine 803 with a stop codon.
Molecular consequence: nonsense.
Genome position (GRCh38, 1-based): chr19:5,137,642, C>T. VCF-style: chr19-5137642-C-T. GRCh37 (hg19) VCF-style: chr19-5137653-C-T.
Other names: c.2509C>T, p.Arg837Ter (NM_001411148.1); short protein forms R837*, R803*.
Identifiers: ClinVar variation 4622786 (VCV004622786.1).